The following is an entry in ClinVar:

ClinVar aggregate classification (germline): Uncertain significance (1 of 4 stars; one submission).

Submission:

GeneDx
Classification: Uncertain significance. Last evaluated: 2026-01-22. Review status: criteria provided, single submitter. Criteria: GeneDx Variant Classification Process June 2021. Collection method: clinical testing. Allele origin: germline.
Comment: Not observed in large population cohorts (gnomAD); In silico analysis supports that this missense variant has a deleterious effect on protein structure/function; Has not been previously published as pathogenic or benign to our knowledge

NM_019842.4(KCNQ5):c.1051G>C (p.Ala351Pro)

Gene: KCNQ5 (potassium voltage-gated channel subfamily Q member 5; plus strand). Cytogenetic location: 6q13.
Variant type: single nucleotide variant.
Coding change: c.1051G>C on transcript NM_019842.4 (MANE Select); coding-DNA position 1051, G replaced by C.
Protein change: p.Ala351Pro; replaces alanine 351 with proline.
Molecular consequence: missense variant.
Genome position (GRCh38, 1-based): chr6:73,111,329, G>C. VCF-style: chr6-73111329-G-C. GRCh37 (hg19) VCF-style: chr6-73821052-G-C.
Other names: c.1051G>C, p.Ala351Pro (NM_001160130.2, NM_001160132.2, NM_001160133.2 and 1 more transcripts); short protein forms A351P.
Identifiers: ClinVar variation 4888198 (VCV004888198.1).